The following is an entry in ClinVar:

NM_001379210.1(SLC25A26):c.34-137G>T

Gene: SLC25A26 (solute carrier family 25 member 26; plus strand). Cytogenetic location: 3p14.1.
Variant type: single nucleotide variant.
Coding change: c.34-137G>T on transcript NM_001379210.1 (MANE Select); 137 bases into the intron before coding-DNA position 34, G replaced by T.
Molecular consequence: intron variant.
Genome position (GRCh38, 1-based): chr3:66,236,407, G>T. VCF-style: chr3-66236407-G-T. GRCh37 (hg19) VCF-style: chr3-66286831-G-T.
Other names: c.34-137G>T (NM_173471.4); c.-231-137G>T (NM_001350993.1); c.-74-6796G>T (NM_001164796.1).
Identifiers: ClinVar variation 683880 (VCV000683880.1), dbSNP rs188291587, ClinGen allele CA11475106.

ClinVar aggregate classification (germline): Benign (1 of 4 stars; one submission).

Allele frequency attached by ClinVar (database versions not stated): gnomAD exomes 0.20352; 1000 Genomes Project 0.26138; 1000 Genomes Project 30x 0.27389; gnomAD 0.27592 and 0.28417; TOPMed 0.27817.
gnomAD v4.1: 116,492 of 518,158 alleles (22%); highest among the groups gnomAD compares: African/African-American, 41%; 15,044 homozygotes.

Submission:

GeneDx
Classification: Benign. Last evaluated: 2018-06-14. Review status: criteria provided, single submitter. Criteria: GeneDx Variant Classification (06012015). Collection method: clinical testing. Allele origin: germline. Affected: yes.
Comment: This variant is considered likely benign or benign based on one or more of the following criteria: it is a conservative change, it occurs at a poorly conserved position in the protein, it is predicted to be benign by multiple in silico algorithms, and/or has population frequency not consistent with disease.